The following is an entry in ClinVar:

NM_003060.4(SLC22A5):c.1403C>T (p.Thr468Ile)

Gene: SLC22A5 (solute carrier family 22 member 5; plus strand). Cytogenetic location: 5q31.1.
Variant type: single nucleotide variant.
Coding change: c.1403C>T on transcript NM_003060.4 (MANE Select); coding-DNA position 1403, C replaced by T.
Protein change: p.Thr468Ile; replaces threonine 468 with isoleucine.
Molecular consequence: missense variant.
Genome position (GRCh38, 1-based): chr5:132,392,568, C>T. VCF-style: chr5-132392568-C-T. GRCh37 (hg19) VCF-style: chr5-131728260-C-T.
Other names: c.1475C>T, p.Thr492Ile (NM_001308122.2); short protein forms T468I, T492I.
Identifiers: ClinVar variation 3385403 (VCV003385403.1).

ClinVar aggregate classification (germline): Uncertain significance (1 of 4 stars; one submission).

Conditions:
Renal carnitine transport defect (CDSP). Also called: Systemic primary carnitine deficiency; Primary carnitine deficiency; CARNITINE DEFICIENCY, SYSTEMIC, DUE TO DEFECT IN RENAL REABSORPTION OF CARNITINE; CARNITINE TRANSPORTER, PLASMA-MEMBRANE, DEFICIENCY OF; CARNITINE UPTAKE DEFECT; Systemic primary carnitine deficiency disease. Identifiers: Orphanet 158, MedGen C0342788, MONDO:0008919, OMIM 212140.

Submission:

Department of Genetics of Metabolic Diseases, Institute of Medical & Molecular Genetics, Hospital Universitario Hospital La Paz
Classification: Uncertain significance for Renal carnitine transport defect. Last evaluated: 2024-09-01. Review status: criteria provided, single submitter. Criteria: ACMG Guidelines, 2015. Collection method: clinical testing. Allele origin: germline. Inheritance: Autosomal recessive inheritance. Affected: yes.
Comment: The variant NM_003060.3:c.1403C>T p.(Thr468Ile) in SLC22A5 is absent from controls in population databases. This variant has been observed in an individual with abnormal levels of free carnitine consistent with primary carnitine deficiency, carrying this variant along with a second variant of unknown significance (PMID: Hidalgo Mayoral I et al., in press). Additionally, the variant c.1403C>G p.(Thr468Arg) affecting the same aminoacid has been reported in multiple individuals with primary carnitine deficiency and functional studies in CHO cells confirm variant c.1403C>G reduces significatively OCTN2´s activity (PMID: 28841266).

Literature cited by the submitters: PubMed 41022664.